The following is an entry in ClinVar:

NM_001035.3(RYR2):c.6683G>T (p.Gly2228Val)

Gene: RYR2 (ryanodine receptor 2; plus strand). Cytogenetic location: 1q43.
Variant type: single nucleotide variant.
Coding change: c.6683G>T on transcript NM_001035.3 (MANE Select); coding-DNA position 6683, G replaced by T.
Protein change: p.Gly2228Val; replaces glycine 2228 with valine.
Molecular consequence: missense variant.
Genome position (GRCh38, 1-based): chr1:237,633,705, G>T. VCF-style: chr1-237633705-G-T. GRCh37 (hg19) VCF-style: chr1-237797005-G-T.
Other names: p.G2228V:GGT>GTT; c.6683G>T, p.Gly2228Val (LRG_402t1); short protein forms G2228V.
Identifiers: ClinVar variation 201266 (VCV000201266.2), dbSNP rs794728744, ClinGen allele CA010248.

ClinVar aggregate classification (germline): Likely pathogenic (1 of 4 stars; one submission).

Submission:

GeneDx
Classification: Likely pathogenic. Last evaluated: 2012-08-17. Review status: criteria provided, single submitter. Criteria: GeneDx Variant Classification (06012015). Collection method: clinical testing. Allele origin: germline. Affected: yes.
Comment: c.6683 G>T p.Gly2228Val (G2228V) NM_001035.2. The G2228V variant in the RYR2 gene has not been reported as a disease-causing mutation or as a benign polymorphism to our knowledge. Although G2228V results in a conservative amino acid substitution of one non-polar amino acid with another, the Gly2228 position is highly conserved across species. Mutations in nearby residues (D2216V, H2217Y) have been reported in association with CPVT, further supporting the functional importance of this region of the protein. Furthermore, G2228V is located near the central domain in the RYR2 gene. The NHLBI ESP Exome Sequencing Project reports G2228V was not observed in approximately 5,400 samples from individuals of European and African American backgrounds, indicating it is not a common benign variant in these populations. The variant is found in CPVT panel(s).